The following is an entry in ClinVar:

NM_000179.3(MSH6):c.1615C>T (p.Leu539Phe)

Gene: MSH6 (mutS homolog 6; plus strand). Cytogenetic location: 2p16.3.
Variant type: single nucleotide variant.
Coding change: c.1615C>T on transcript NM_000179.3 (MANE Select); coding-DNA position 1615, C replaced by T.
Protein change: p.Leu539Phe; replaces leucine 539 with phenylalanine.
Molecular consequence: missense variant.
Genome position (GRCh38, 1-based): chr2:47,799,598, C>T. VCF-style: chr2-47799598-C-T. GRCh37 (hg19) VCF-style: chr2-48026737-C-T.
Other names: c.1225C>T, p.Leu409Phe (NM_001281492.2); c.709C>T, p.Leu237Phe (NM_001281493.2, NM_001281494.2); short protein forms L539F, L409F, L237F.
Identifiers: ClinVar variation 525628 (VCV000525628.10), dbSNP rs1553412999, ClinGen allele CA346747043.

ClinVar aggregate classification (germline): Uncertain significance. Review status: criteria provided, single submitter (1 of 4 stars). 2 submissions from 2 submitters: Uncertain significance (1). 1 of the submissions does not count toward it. Last evaluated 2022-03-04.

Conditions:
Hereditary nonpolyposis colorectal neoplasms. Identifiers: MedGen C0009405, MeSH D003123.
Lynch-like syndrome.

Allele frequency attached by ClinVar (database versions not stated): gnomAD exomes below 0.00001.

Submissions (2):

Labcorp Genetics (formerly Invitae), Labcorp
Classification: Uncertain significance for Hereditary nonpolyposis colorectal neoplasms. Last evaluated: 2022-03-04. Review status: criteria provided, single submitter. Criteria: Invitae Variant Classification Sherloc (09022015). Collection method: clinical testing. Allele origin: germline.
Comment: This sequence change replaces leucine, which is neutral and non-polar, with phenylalanine, which is neutral and non-polar, at codon 539 of the MSH6 protein (p.Leu539Phe). This variant is not present in population databases (gnomAD no frequency). This variant has not been reported in the literature in individuals affected with MSH6-related conditions. ClinVar contains an entry for this variant (Variation ID: 525628). Advanced modeling of protein sequence and biophysical properties (such as structural, functional, and spatial information, amino acid conservation, physicochemical variation, residue mobility, and thermodynamic stability) performed at Invitae indicates that this missense variant is expected to disrupt MSH6 protein function. In summary, the available evidence is currently insufficient to determine the role of this variant in disease. Therefore, it has been classified as a Variant of Uncertain Significance.

Constitutional Genetics Lab, Leon Berard Cancer Center
Classification: Likely pathogenic for Lynch-like syndrome. Last evaluated: 2019-07-01. Review status: no assertion criteria provided. Collection method: clinical testing. Allele origin: somatic. Affected: yes. Not counted in ClinVar's aggregate classification.